The following is an entry in ClinVar:

ClinVar aggregate classification (germline): Pathogenic/Likely pathogenic. Review status: criteria provided, multiple submitters, no conflicts (2 of 4 stars). 3 submissions from 3 submitters: Pathogenic (2); Likely pathogenic (1). Last evaluated 2026-09-08.

Conditions:
Fabry disease. Also called: Angiokeratoma corporis diffusum; CERAMIDE TRIHEXOSIDASE DEFICIENCY; GLA DEFICIENCY; HEREDITARY DYSTOPIC LIPIDOSIS; Fabry's disease; ALPHA-GALACTOSIDASE A DEFICIENCY. Identifiers: Orphanet 324, MedGen C0002986, MONDO:0010526, OMIM 301500, HP:0001071. Disease mechanism: loss of function, Fabry disease is due to inactivating mutations in the X-linked GLA gene resulting in deficiency of the enzyme Alpha Galactosidase-A..

Submissions (3):

Genomenon, Inc
Classification: Likely pathogenic for Fabry disease. Last evaluated: 2026-09-08. Review status: criteria provided, single submitter. Criteria: Genomenon Sequence Variant Interpretation Standards - Updated. Collection method: curation. Allele origin: germline. Affected: yes.
Comment: GLA p.Trp81Ser (c.242G>C) is a missense variant that changes the amino acid at codon 81 from Tryptophan to Serine. This variant has been observed in at least one proband with clinical features consistent with Fabry disease (PMID:29631605;31246960;20022777;39766319;12938095;22378313). At least one functional study has demonstrated a substantial alteration in protein function relative to the wild-type (PMID:27657681). It is absent or not present at a significant frequency in gnomAD. In silico models predict that this variant is possibly or probably damaging. In conclusion, we classify GLA p.Trp81Ser (c.242G>C) as a likely pathogenic variant.

Serv. Biochemistry and Molecular genetics, Hospital Clinic de Barcelona, Hospital Clínic de Barcelona
Classification: Pathogenic for Fabry disease. Last evaluated: 2026-05-21. Review status: criteria provided, single submitter. Criteria: ACMG Guidelines, 2015. Collection method: clinical testing. Allele origin: germline. Inheritance: X-linked inheritance. Affected: yes. Observed: 6 variant alleles. Clinical features observed: Chronic kidney disease (HP:0012622), Hypertrophic cardiomyopathy (HP:0001639), Angiokeratoma (HP:0001014), Neuropathic pain (HP:6000040), Cornea verticillata (HP:0500008).
Comment: Classification reported in the manuscript using ACMG criteria/in silico tools: Pathogenic. Variant type: Missense; amino acid change: p.Trp81Ser. Criteria: PM1, PM2, PM5, PP2, PP3, PS3, PS4,

Women's Health and Genetics/Laboratory Corporation of America, LabCorp
Classification: Pathogenic for Fabry disease. Last evaluated: 2021-03-12. Review status: criteria provided, single submitter. Criteria: LabCorp Variant Classification Summary - May 2015. Collection method: clinical testing. Allele origin: germline.
Comment: Variant summary: GLA c.242G>C (p.Trp81Ser) results in a non-conservative amino acid change in the encoded protein sequence. Five of five in-silico tools predict a damaging effect of the variant on protein function. The variant was absent in 183488 control chromosomes. c.242G>C has been reported in the literature in individuals affected with Fabry Disease (example, Rodriguez-Mari_2003, Gomez_2012, Sirrs_2010, Vietez_2018). These data indicate that the variant is likely to be associated with disease. At least one publication reports experimental evidence evaluating an impact on protein function. The most pronounced variant effect results in <10% of normal activity (example, Gomez_2012). No clinical diagnostic laboratories have submitted clinical-significance assessments for this variant to ClinVar after 2014. Based on the evidence outlined above, the variant was classified as pathogenic.

Literature cited by the submitters: PubMed 29631605 (cited by 3 submitters); PubMed 31246960 (cited by Genomenon, Inc); PubMed 20022777 (cited by 3 submitters); PubMed 39766319 (cited by Genomenon, Inc); PubMed 12938095 (cited by 3 submitters); PubMed 22378313 (cited by 3 submitters); PubMed 27657681 (cited by Genomenon, Inc).

NM_000169.3(GLA):c.242G>C (p.Trp81Ser)

Genes: GLA (galactosidase alpha; minus strand), RPL36A-HNRNPH2 (RPL36A-HNRNPH2 readthrough; plus strand). Cytogenetic location: Xq22.1.
Variant type: single nucleotide variant.
Coding change: c.242G>C on transcript NM_000169.3 (MANE Select); coding-DNA position 242, G replaced by C.
Protein change: p.Trp81Ser; replaces tryptophan 81 with serine.
Molecular consequence: missense variant. On other transcripts: non-coding transcript variant (3), intron variant (2).
Genome position (GRCh38, 1-based): chrX:101,403,938, C>G on the plus strand (G>C on the coding strand, the complement: GLA is on the minus strand). VCF-style: chrX-101403938-C-G. GRCh37 (hg19) VCF-style: chrX-100658926-C-G.
Other names: c.365G>C, p.Trp122Ser (NM_001406747.1, NM_001406749.1); c.242G>C, p.Trp81Ser (NM_001406748.1); c.301-7998C>G (NM_001199973.2); c.178-7998C>G (NM_001199974.2); short protein forms W81S, W122S.
Identifiers: ClinVar variation 1027590 (VCV001027590.4), dbSNP rs398123208, ClinGen allele CA413934061.